The following is an entry in ClinVar:

NM_004714.3(DYRK1B):c.953A>G (p.Glu318Gly)

Gene: DYRK1B (dual specificity tyrosine phosphorylation regulated kinase 1B; minus strand). Cytogenetic location: 19q13.2.
Variant type: single nucleotide variant.
Coding change: c.953A>G on transcript NM_004714.3 (MANE Select); coding-DNA position 953, A replaced by G.
Protein change: p.Glu318Gly; replaces glutamic acid 318 with glycine.
Molecular consequence: missense variant.
Genome position (GRCh38, 1-based): chr19:39,827,511, T>C on the plus strand (A>G on the coding strand, the complement: DYRK1B is on the minus strand). VCF-style: chr19-39827511-T-C. GRCh37 (hg19) VCF-style: chr19-40318151-T-C.
Other names: c.953A>G, p.Glu318Gly (NM_006483.3, NM_006484.3); short protein forms E318G.
Identifiers: ClinVar variation 3345753 (VCV003345753.1).

ClinVar aggregate classification (germline): Uncertain significance (0 of 4 stars; one submission).

Conditions:
DYRK1B-related disorder. Also called: DYRK1B-related condition.

gnomAD v4.1: 1 of 1,613,624 alleles (0.000062%); highest among the groups gnomAD compares: Admixed American, 0.0017%; no homozygotes.

Submission:

PreventionGenetics, part of Exact Sciences
Classification: Uncertain significance for DYRK1B-related condition. Last evaluated: 2024-05-17. Review status: no assertion criteria provided. Collection method: clinical testing. Allele origin: germline.
Comment: The DYRK1B c.953A>G variant is predicted to result in the amino acid substitution p.Glu318Gly. To our knowledge, this variant has not been reported in the literature or in gnomAD, indicating this variant is rare. At this time, the clinical significance of this variant is uncertain due to the absence of conclusive functional and genetic evidence.